The following is an entry in ClinVar:

NM_177438.3(DICER1):c.2526G>A (p.Met842Ile)

Gene: DICER1 (dicer 1, ribonuclease III; minus strand). Cytogenetic location: 14q32.13.
Variant type: single nucleotide variant.
Coding change: c.2526G>A on transcript NM_177438.3 (MANE Select); coding-DNA position 2526, G replaced by A.
Protein change: p.Met842Ile; replaces methionine 842 with isoleucine.
Molecular consequence: missense variant. On other transcripts: non-coding transcript variant (6).
Genome position (GRCh38, 1-based): chr14:95,108,004, C>T on the plus strand (G>A on the coding strand, the complement: DICER1 is on the minus strand). VCF-style: chr14-95108004-C-T. GRCh37 (hg19) VCF-style: chr14-95574341-C-T.
Other names: c.2526G>A, p.Met842Ile (NM_001195573.1, NM_001271282.3, NM_001291628.2 and 13 more transcripts); c.2244G>A, p.Met748Ile (NM_001395686.1); c.2121G>A, p.Met707Ile (NM_001395687.1, NM_001395688.1, NM_001395689.1 and 2 more transcripts); c.1959G>A, p.Met653Ile (NM_001395691.1); c.843G>A, p.Met281Ile (NM_001395697.1); short protein forms M842I, M281I, M653I, M707I, M748I.
Identifiers: ClinVar variation 2814041 (VCV002814041.4), dbSNP rs2140025212, ClinGen allele CA390881838.
Genomic context (GRCh38, chr14:95,108,004, plus strand): 5'-TTTTTCAAGCCGAAGAATATGTGAGAATATATACTGGTGAAGTCTTGTAATCAACTCAAG[C>T]ATTTGTAGAGACAACATGAAACCAGACTTCTTCAACTCAATGGATATGGTAACCTCTCCA-3'
Protein context (NP_803187.1, residues 832-852): KKSGFMLSLQ[Met842Ile]LELITRLHQY

ClinVar aggregate classification (germline): Uncertain significance. Review status: criteria provided, multiple submitters, no conflicts (2 of 4 stars). 2 submissions from 2 submitters: Uncertain significance (2). Last evaluated 2026-07-06.

Conditions:
Hereditary cancer-predisposing syndrome. Also called: Hereditary Cancer Syndrome; Hereditary neoplastic syndrome; Neoplastic Syndromes, Hereditary; Tumor predisposition. Identifiers: Orphanet 140162, MedGen C0027672, MeSH D009386, MONDO:0015356.
DICER1-related tumor predisposition. Also called: DICER1 syndrome; DICER1-related pleuropulmonary blastoma cancer predisposition syndrome. Identifiers: Orphanet 284343, MedGen C3839822, MONDO:0100216.

Submissions (2):

Ambry Genetics
Classification: Uncertain significance for Hereditary cancer-predisposing syndrome. Last evaluated: 2026-07-06. Review status: criteria provided, single submitter. Criteria: Ambry Variant Classification Scheme 2023. Collection method: clinical testing. Allele origin: germline.
Comment: The p.M842I variant (also known as c.2526G>A), located in coding exon 15 of the DICER1 gene, results from a G to A substitution at nucleotide position 2526. The methionine at codon 842 is replaced by isoleucine, an amino acid with highly similar properties. This amino acid position is conserved. In addition, this alteration is predicted to be tolerated by in silico analysis. Based on the available evidence, the clinical significance of this variant remains unclear.

Labcorp Genetics (formerly Invitae), Labcorp
Classification: Uncertain significance for DICER1-related tumor predisposition. Last evaluated: 2025-04-29. Review status: criteria provided, single submitter. Criteria: Invitae Variant Classification Sherloc (09022015). Collection method: clinical testing. Allele origin: germline.
Comment: This sequence change replaces methionine, which is neutral and non-polar, with isoleucine, which is neutral and non-polar, at codon 842 of the DICER1 protein (p.Met842Ile). This variant is not present in population databases (gnomAD no frequency). This variant has not been reported in the literature in individuals affected with DICER1-related conditions. ClinVar contains an entry for this variant (Variation ID: 2814041). Invitae Evidence Modeling of protein sequence and biophysical properties (such as structural, functional, and spatial information, amino acid conservation, physicochemical variation, residue mobility, and thermodynamic stability) indicates that this missense variant is not expected to disrupt DICER1 protein function with a negative predictive value of 95%. In summary, the available evidence is currently insufficient to determine the role of this variant in disease. Therefore, it has been classified as a Variant of Uncertain Significance.